The following is an entry in ClinVar:

NM_001035.3(RYR2):c.10212C>G (p.Ile3404Met)

Gene: RYR2 (ryanodine receptor 2; plus strand). Cytogenetic location: 1q43.
Variant type: single nucleotide variant.
Coding change: c.10212C>G on transcript NM_001035.3 (MANE Select); coding-DNA position 10212, C replaced by G.
Protein change: p.Ile3404Met; replaces isoleucine 3404 with methionine.
Molecular consequence: missense variant.
Genome position (GRCh38, 1-based): chr1:237,709,549, C>G. VCF-style: chr1-237709549-C-G. GRCh37 (hg19) VCF-style: chr1-237872849-C-G.
Other names: short protein forms I3404M.
Identifiers: ClinVar variation 3073268 (VCV003073268.4), dbSNP rs2149069969, ClinGen allele CA345411726.

ClinVar aggregate classification (germline): Uncertain significance. Review status: criteria provided, multiple submitters, no conflicts (2 of 4 stars). 3 submissions from 3 submitters: Uncertain significance (3). Last evaluated 2025-02-06.

Conditions:
Catecholaminergic polymorphic ventricular tachycardia (CVPT). Also called: Catecholamine-induced polymorphic ventricular tachycardia. Identifiers: Orphanet 3286, MedGen C5574922, MONDO:0017990.
Cardiomyopathy (CMYO). Also called: Cardiomyopathies. Identifiers: Orphanet 167848, MedGen C0878544, MONDO:0004994, HP:0001638. Inheritance: Various modes of inheritance.
Catecholaminergic polymorphic ventricular tachycardia 1. Also called: VENTRICULAR TACHYCARDIA, CATECHOLAMINERGIC POLYMORPHIC, 1, WITH OR WITHOUT ATRIAL DYSFUNCTION AND/OR DILATED CARDIOMYOPATHY; RYR2-Related Catecholaminergic Polymorphic Ventricular Tachycardia; VENTRICULAR TACHYCARDIA, STRESS-INDUCED POLYMORPHIC 1. Identifiers: Orphanet 3286, MedGen C1631597, MONDO:0011484, OMIM 604772.

gnomAD v4.1: 1 of 1,609,310 alleles (0.000062%); highest among the groups gnomAD compares: Non-Finnish European, 0.000085%; no homozygotes.

Submissions (3):

Labcorp Genetics (formerly Invitae), Labcorp
Classification: Uncertain significance for Catecholaminergic polymorphic ventricular tachycardia 1. Last evaluated: 2025-02-06. Review status: criteria provided, single submitter. Criteria: Invitae Variant Classification Sherloc (09022015). Collection method: clinical testing. Allele origin: germline.
Comment: This sequence change replaces isoleucine, which is neutral and non-polar, with methionine, which is neutral and non-polar, at codon 3404 of the RYR2 protein (p.Ile3404Met). This variant is not present in population databases (gnomAD no frequency). This variant has not been reported in the literature in individuals affected with RYR2-related conditions. ClinVar contains an entry for this variant (Variation ID: 3073268). Invitae Evidence Modeling of protein sequence and biophysical properties (such as structural, functional, and spatial information, amino acid conservation, physicochemical variation, residue mobility, and thermodynamic stability) has been performed for this missense variant. However, the output from this modeling did not meet the statistical confidence thresholds required to predict the impact of this variant on RYR2 protein function. In summary, the available evidence is currently insufficient to determine the role of this variant in disease. Therefore, it has been classified as a Variant of Uncertain Significance.

All of Us Research Program, National Institutes of Health
Classification: Uncertain significance for Catecholaminergic polymorphic ventricular tachycardia. Last evaluated: 2023-08-28. Review status: criteria provided, single submitter. Criteria: ACMG Guidelines, 2015. Collection method: clinical testing. Allele origin: germline. Inheritance: Autosomal dominant inheritance. Observed: 1 variant allele, 1 heterozygote.
Comment: This missense variant replaces isoleucine with methionine at codon 3404 of the RYR2 protein. Computational prediction is inconclusive regarding the impact of this variant on protein structure and function (internally defined REVEL score threshold 0.5 < inconclusive < 0.7, PMID: 27666373). To our knowledge, functional studies have not been reported for this variant. This variant has not been reported in individuals affected with RYR2-related disorders in the literature. This variant has not been identified in the general population by the Genome Aggregation Database (gnomAD). The available evidence is insufficient to determine the role of this variant in disease conclusively. Therefore, this variant is classified as a Variant of Uncertain Significance.

This study involves interpretation of variants in research participants for the purpose of population health screening. Participant phenotype was not available at the time of variant classification. Additional details can be found in publication PMID: 35346344, PMCID: PMC8962531

Color Diagnostics, LLC DBA Color Health
Classification: Uncertain significance for Cardiomyopathy. Last evaluated: 2023-08-16. Review status: criteria provided, single submitter. Criteria: ACMG Guidelines, 2015. Collection method: clinical testing. Allele origin: germline.
Comment: This missense variant replaces isoleucine with methionine at codon 3404 of the RYR2 protein. Computational prediction is inconclusive regarding the impact of this variant on protein structure and function. To our knowledge, functional studies have not been reported for this variant. This variant has not been reported in individuals affected with RYR2-related disorders in the literature. This variant has not been identified in the general population by the Genome Aggregation Database (gnomAD). The available evidence is insufficient to determine the role of this variant in disease conclusively. Therefore, this variant is classified as a Variant of Uncertain Significance.